The following is an entry in ClinVar:

NM_000052.7(ATP7A):c.3518_3526delTTAATGCTC (p.Leu1173_Ala1175del)

Gene: ATP7A (ATPase copper transporting alpha; plus strand). Cytogenetic location: Xq21.1.
Variant type: Deletion.
Coding change: c.3518_3526delTTAATGCTC on transcript NM_000052.7 (MANE Select); coding-DNA positions 3518 to 3526, 9 bases deleted (TTAATGCTC).
Protein change: p.Leu1173_Ala1175del.
Molecular consequence: inframe deletion. On other transcripts: non-coding transcript variant (1).
Genome position (GRCh38, 1-based): chrX:78,038,842-78,038,850, TTAATGCTC deleted; deleting any 9 consecutive bases within chrX:78,038,836-78,038,850 gives the same sequence; the c. name uses the placement nearest the transcript's 3' end. VCF-style (leftmost placement, unchanged base first): chrX-78038835-GATGCTCTTA-G. GRCh37 (hg19) VCF-style: chrX-77294333-GATGCTCTTA-G.
Other names: c.3284_3292delTTAATGCTC, p.Leu1095_Ala1097del (NM_001282224.2).
Identifiers: ClinVar variation 2933422 (VCV002933422.4), dbSNP rs782588630, ClinGen allele CA10459429.
Genomic context (GRCh38, chrX:78,038,835, plus strand): 5'-TCATGGGGTTTTATAAAGATTAATTGAACTTACTAAATGTTATTTCTGTGCCTACTTTCA[GATGCTCTTA>G]ATGCTCAGCAGTATAAAGTCCTCATTGGTAACCGGGAGTGGATGATTAGAAATGGTCTTG-3'

ClinVar aggregate classification (germline): Uncertain significance. Review status: criteria provided, multiple submitters, no conflicts (2 of 4 stars). 2 submissions from 2 submitters: Uncertain significance (2). Last evaluated 2026-06-04.

Conditions:
Menkes kinky-hair syndrome (MNK). Also called: Menkes Disease; Classic Menkes Disease; Copper transport disease. Identifiers: Orphanet 565, MedGen C0022716, MONDO:0010651, OMIM 309400.
Cutis laxa, X-linked (OHS). Also called: EDS IX; Occipital horn syndrome. Identifiers: Orphanet 198, MedGen C0268353, MONDO:0010572, OMIM 304150.
X-linked distal spinal muscular atrophy type 3. Also called: ATP7A-Related Distal Motor Neuropathy; SPINAL MUSCULAR ATROPHY, DISTAL, X-LINKED RECESSIVE; NEURONOPATHY, DISTAL HEREDITARY MOTOR, X-LINKED; NEUROPATHY, DISTAL HEREDITARY MOTOR, X-LINKED. Identifiers: Orphanet 139557, MedGen C1845359, MONDO:0010338, OMIM 300489.

Submissions (2):

Myriad Genetics, Inc.
Classification: Uncertain significance for Menkes kinky-hair syndrome. Last evaluated: 2026-06-04. Review status: criteria provided, single submitter. Criteria: Myriad Autosomal Dominant, Autosomal Recessive and X-Linked Classification Criteria (2023). Collection method: clinical testing. Allele origin: unknown.
Comment: NM_000052.5(ATP7A):c.3518_3526del9(L1173_A1175del) is an in-frame deletion classified as a variant of uncertain significance in the context of ATP7A-related disorders. L1173_A1175del has not been observed in cases with relevant disease. Relevant functional assessments of this variant are not available in the literature. L1173_A1175del has been observed in referenced population frequency databases. In summary, there is insufficient evidence to classify NM_000052.5(ATP7A):c.3518_3526del9(L1173_A1175del) as pathogenic or benign. Please note: this variant was assessed in the context of healthy population screening.

Labcorp Genetics (formerly Invitae), Labcorp
Classification: Uncertain significance for X-linked distal spinal muscular atrophy type 3; Cutis laxa, X-linked; Menkes kinky-hair syndrome. Last evaluated: 2025-03-23. Review status: criteria provided, single submitter. Criteria: Invitae Variant Classification Sherloc (09022015). Collection method: clinical testing. Allele origin: germline.
Comment: This variant, c.3518_3526del, results in the deletion of 3 amino acid(s) of the ATP7A protein (p.Leu1173_Ala1175del), but otherwise preserves the integrity of the reading frame. This variant is present in population databases (rs782588630, gnomAD 0.001%). This variant has not been reported in the literature in individuals affected with ATP7A-related conditions. ClinVar contains an entry for this variant (Variation ID: 2933422). Experimental studies and prediction algorithms are not available or were not evaluated, and the functional significance of this variant is currently unknown. Algorithms developed to predict the effect of sequence changes on RNA splicing suggest that this variant may disrupt the consensus splice site. In summary, the available evidence is currently insufficient to determine the role of this variant in disease. Therefore, it has been classified as a Variant of Uncertain Significance.